The following is an entry in ClinVar:

NM_001042492.3(NF1):c.835G>C (p.Glu279Gln)

Gene: NF1 (neurofibromin 1; plus strand). Cytogenetic location: 17q11.2.
Variant type: single nucleotide variant.
Coding change: c.835G>C on transcript NM_001042492.3 (MANE Select); coding-DNA position 835, G replaced by C.
Protein change: p.Glu279Gln; replaces glutamic acid 279 with glutamine.
Molecular consequence: missense variant.
Genome position (GRCh38, 1-based): chr17:31,182,612, G>C. VCF-style: chr17-31182612-G-C. GRCh37 (hg19) VCF-style: chr17-29509630-G-C.
Other names: c.835G>C, p.Glu279Gln (NM_000267.4, NM_001128147.3); short protein forms E279Q.
Identifiers: ClinVar variation 2102763 (VCV002102763.4), dbSNP rs2143786303, ClinGen allele CA398991052.

ClinVar aggregate classification (germline): Uncertain significance (1 of 4 stars; one submission).

Conditions:
Neurofibromatosis, type 1 (NF1). Also called: Peripheral type neurofibromatosis; NEUROFIBROMATOSIS, TYPE I, SOMATIC; VON RECKLINGHAUSEN DISEASE; Neurofibromatosis, type I. Identifiers: Orphanet 636, MedGen C0027831, MONDO:0018975, OMIM 162200. Disease mechanism: loss of function.

Submission:

Labcorp Genetics (formerly Invitae), Labcorp
Classification: Uncertain significance for Neurofibromatosis, type 1. Last evaluated: 2023-06-02. Review status: criteria provided, single submitter. Criteria: Invitae Variant Classification Sherloc (09022015). Collection method: clinical testing. Allele origin: germline.
Comment: This sequence change replaces glutamic acid, which is acidic and polar, with glutamine, which is neutral and polar, at codon 279 of the NF1 protein (p.Glu279Gln). This variant is not present in population databases (gnomAD no frequency). In summary, the available evidence is currently insufficient to determine the role of this variant in disease. Therefore, it has been classified as a Variant of Uncertain Significance. Advanced modeling of protein sequence and biophysical properties (such as structural, functional, and spatial information, amino acid conservation, physicochemical variation, residue mobility, and thermodynamic stability) has been performed at Invitae for this missense variant, however the output from this modeling did not meet the statistical confidence thresholds required to predict the impact of this variant on NF1 protein function. ClinVar contains an entry for this variant (Variation ID: 2102763). This variant has not been reported in the literature in individuals affected with NF1-related conditions.